The following is an entry in ClinVar:

NM_004415.4(DSP):c.5384C>A (p.Ser1795Tyr)

Gene: DSP (desmoplakin; plus strand). Cytogenetic location: 6p24.3.
Variant type: single nucleotide variant.
Coding change: c.5384C>A on transcript NM_004415.4 (MANE Select); coding-DNA position 5384, C replaced by A.
Protein change: p.Ser1795Tyr; replaces serine 1795 with tyrosine.
Molecular consequence: missense variant.
Genome position (GRCh38, 1-based): chr6:7,582,646, C>A. VCF-style: chr6-7582646-C-A. GRCh37 (hg19) VCF-style: chr6-7582879-C-A.
Other names: c.3587C>A, p.Ser1196Tyr (NM_001008844.3); c.4055C>A, p.Ser1352Tyr (NM_001319034.2); short protein forms S1196Y, S1795Y, S1352Y.
Identifiers: ClinVar variation 2935906 (VCV002935906.5), dbSNP rs1295447936, ClinGen allele CA362688502.

ClinVar aggregate classification (germline): Uncertain significance. Review status: criteria provided, multiple submitters, no conflicts (2 of 4 stars). 3 submissions from 3 submitters: Uncertain significance (3). Last evaluated 2024-01-09.

Conditions:
Arrhythmogenic cardiomyopathy with wooly hair and keratoderma. Also called: Arrhythmogenic cardiomyopathy with woolly hair and keratoderma; PALMOPLANTAR KERATODERMA WITH LEFT VENTRICULAR CARDIOMYOPATHY AND WOOLLY HAIR; Carvajal syndrome; Dilated cardiomyopathy with woolly hair and keratoderma. Identifiers: Orphanet 65282, MedGen C1854063, MONDO:0011581, OMIM 605676.
Arrhythmogenic right ventricular dysplasia 8 (ARVD8). Also called: Arrhythmogenic Right Ventricular Dysplasia/Cardiomyopathy 8; ARRHYTHMOGENIC RIGHT VENTRICULAR DYSPLASIA, FAMILIAL, 8; ARRHYTHMOGENIC RIGHT VENTRICULAR CARDIOMYOPATHY 8. Identifiers: MedGen C1843896, MONDO:0011831, OMIM 607450.
Cardiovascular phenotype. Identifiers: MedGen CN230736.

Allele frequency attached by ClinVar (database versions not stated): gnomAD exomes below 0.00001.
gnomAD v4.1: 1 of 1,612,832 alleles (0.000062%); highest among the groups gnomAD compares: Admixed American, 0.0017%; no homozygotes.

Submissions (3):

Labcorp Genetics (formerly Invitae), Labcorp
Classification: Uncertain significance for Arrhythmogenic cardiomyopathy with wooly hair and keratoderma; Arrhythmogenic right ventricular dysplasia 8. Last evaluated: 2024-01-09. Review status: criteria provided, single submitter. Criteria: Invitae Variant Classification Sherloc (09022015). Collection method: clinical testing. Allele origin: germline.
Comment: This sequence change replaces serine, which is neutral and polar, with tyrosine, which is neutral and polar, at codon 1795 of the DSP protein (p.Ser1795Tyr). The frequency data for this variant in the population databases is considered unreliable, as metrics indicate poor data quality at this position in the gnomAD database. This variant has not been reported in the literature in individuals affected with DSP-related conditions. An algorithm developed to predict the effect of missense changes on protein structure and function (PolyPhen-2) suggests that this variant is likely to be disruptive. In summary, the available evidence is currently insufficient to determine the role of this variant in disease. Therefore, it has been classified as a Variant of Uncertain Significance.

Ambry Genetics
Classification: Uncertain significance for Cardiovascular phenotype. Last evaluated: 2023-12-14. Review status: criteria provided, single submitter. Criteria: Ambry Variant Classification Scheme 2023. Collection method: clinical testing. Allele origin: germline.

All of Us Research Program, National Institutes of Health
Classification: Uncertain significance for Arrhythmogenic cardiomyopathy with wooly hair and keratoderma. Last evaluated: 2023-04-03. Review status: criteria provided, single submitter. Criteria: ACMG Guidelines, 2015. Collection method: clinical testing. Allele origin: germline. Inheritance: Autosomal dominant inheritance. Observed: 1 variant allele, 1 heterozygote.
Comment: This missense variant replaces serine with tyrosine at codon 1795 of the DSP protein. Computational prediction suggests that this variant may not impact protein structure and function (internally defined REVEL score threshold <= 0.5, PMID: 27666373). To our knowledge, functional studies have not been reported for this variant. This variant has not been reported in individuals affected with DSP-related disorders in the literature. This variant has not been identified in the general population by the Genome Aggregation Database (gnomAD). The available evidence is insufficient to determine the role of this variant in disease conclusively. Therefore, this variant is classified as a Variant of Uncertain Significance.

This study involves interpretation of variants in research participants for the purpose of population health screening. Participant phenotype was not available at the time of variant classification. Additional details can be found in publication PMID: 35346344, PMCID: PMC8962531